The following is an entry in ClinVar:

ClinVar aggregate classification (germline): Likely benign. Review status: criteria provided, multiple submitters, no conflicts (2 of 4 stars). 2 submissions from 2 submitters: Likely benign (2). Last evaluated 2025-10-16.

Conditions:
Autosomal recessive polycystic kidney disease (ARPKD). Also called: AR polycystic kidney disease. Identifiers: Orphanet 731, Orphanet 8378, MedGen C0085548, MeSH D017044, MONDO:0009889.
PKHD1-related disorder. Also called: PKHD1-related condition.

Submissions (2):

PreventionGenetics, part of Exact Sciences
Classification: Likely benign for PKHD1-related condition. Last evaluated: 2025-10-16. Review status: criteria provided, single submitter. Criteria: ACMG Guidelines, 2015. Collection method: clinical testing. Allele origin: germline.
Comment: This variant is classified as likely benign based on ACMG/AMP sequence variant interpretation guidelines (Richards et al. 2015 PMID: 25741868, with internal and published modifications).

Labcorp Genetics (formerly Invitae), Labcorp
Classification: Likely benign for Autosomal recessive polycystic kidney disease. Last evaluated: 2022-03-09. Review status: criteria provided, single submitter. Criteria: Invitae Variant Classification Sherloc (09022015). Collection method: clinical testing. Allele origin: germline.

NM_138694.4(PKHD1):c.3415T>C (p.Leu1139=)

Gene: PKHD1 (PKHD1 ciliary IPT domain containing fibrocystin/polyductin; minus strand). Cytogenetic location: 6p12.2.
Variant type: single nucleotide variant.
Coding change: c.3415T>C on transcript NM_138694.4 (MANE Select); coding-DNA position 3415, T replaced by C.
Protein change: p.Leu1139=; no amino-acid change (leucine 1139 retained).
Molecular consequence: synonymous variant.
Genome position (GRCh38, 1-based): chr6:52,028,301, A>G on the plus strand (T>C on the coding strand, the complement: PKHD1 is on the minus strand). VCF-style: chr6-52028301-A-G. GRCh37 (hg19) VCF-style: chr6-51893099-A-G.
Other names: c.3415T>C (NM_138694.3); c.3415T>C, p.Leu1139= (NM_170724.3).
Identifiers: ClinVar variation 2108111 (VCV002108111.5), dbSNP rs2532791864, ClinGen allele CA450615155.